The following is an entry in ClinVar:

NM_002691.4(POLD1):c.1243-8C>T

Gene: POLD1 (DNA polymerase delta 1, catalytic subunit; plus strand). Cytogenetic location: 19q13.33.
Variant type: single nucleotide variant.
Coding change: c.1243-8C>T on transcript NM_002691.4 (MANE Select); 8 bases into the intron before coding-DNA position 1243, C replaced by T.
Molecular consequence: intron variant.
Genome position (GRCh38, 1-based): chr19:50,406,174, C>T. VCF-style: chr19-50406174-C-T. GRCh37 (hg19) VCF-style: chr19-50909431-C-T.
Other names: c.1243-8C>T (NM_001256849.1, NM_001308632.1).
Identifiers: ClinVar variation 3904216 (VCV003904216.1).

ClinVar aggregate classification (germline): Likely benign (1 of 4 stars; one submission).

Conditions:
POLD1-related polyposis and colorectal cancer syndrome (CRCS10). Also called: Colorectal cancer 10; COLORECTAL CANCER, SUSCEPTIBILITY TO, ON CHROMOSOME 19q; Colorectal cancer, susceptibility to, 10. Identifiers: Orphanet 220460, MedGen C2675481, MONDO:0012953, OMIM 612591.

Submission:

Myriad Genetics, Inc.
Classification: Likely benign for POLD1-related polyposis and colorectal cancer syndrome. Last evaluated: 2025-02-06. Review status: criteria provided, single submitter. Criteria: Myriad Autosomal Dominant, Autosomal Recessive and X-Linked Classification Criteria (2023). Collection method: clinical testing. Allele origin: unknown.
Comment: This variant is considered likely benign. This variant is intronic and is not expected to impact mRNA splicing.